The following is an entry in ClinVar:

ClinVar aggregate classification (germline): Uncertain significance (1 of 4 stars; one submission).

Submission:

Ambry Genetics
Classification: Uncertain significance. Last evaluated: 2022-05-30. Review status: criteria provided, single submitter. Criteria: Ambry Variant Classification Scheme 2023. Collection method: clinical testing. Allele origin: germline.
Comment: The p.V204I variant (also known as c.610G>A), located in coding exon 4 of the TMPO gene, results from a G to A substitution at nucleotide position 610. The valine at codon 204 is replaced by isoleucine, an amino acid with highly similar properties. This amino acid position is conserved. In addition, this alteration is predicted to be tolerated by in silico analysis. Since supporting evidence is limited at this time, the clinical significance of this alteration remains unclear.

NM_001032283.3(TMPO):c.565+1029G>A

Gene: TMPO (thymopoietin; plus strand). Cytogenetic location: 12q23.1.
Variant type: single nucleotide variant.
Coding change: c.565+1029G>A on transcript NM_001032283.3 (MANE Select); 1029 bases into the intron after coding-DNA position 565, G replaced by A.
Molecular consequence: intron variant. On other transcripts: missense variant (1).
Genome position (GRCh38, 1-based): chr12:98,532,867, G>A. VCF-style: chr12-98532867-G-A. GRCh37 (hg19) VCF-style: chr12-98926645-G-A.
Other names: c.610G>A, p.Val204Ile (NM_003276.2); c.565+1029G>A (NM_001307975.2, NM_001032284.3); short protein forms V204I.
Identifiers: ClinVar variation 1751670 (VCV001751670.2), dbSNP rs1204142846, ClinGen allele CA386151439.
Genomic context (GRCh38, chr12:98,532,867, plus strand): 5'-TCTTTTGCCTCTACAGGAAAGAAGAAAGAACACAAGAAAGTGAAGTCCACTAGGGATATT[G>A]TTCCTTTTTCTGAACTTGGAACTACTCCCTCTGGTGGTGGATTTTTTCAGGGTATTTCTT-3'